The following is an entry in ClinVar:

ClinVar aggregate classification (germline): Benign/Likely benign. Review status: criteria provided, multiple submitters, no conflicts (2 of 4 stars). 17 submissions from 13 submitters: Benign (11); Likely benign (5). 1 of the submissions does not count toward it. Last evaluated 2026-02-03.

Conditions:
RET-related disorder. Also called: RET-related disorders; RET-related condition; RET-related disease.
Hereditary cancer-predisposing syndrome. Also called: Tumor predisposition; Hereditary neoplastic syndrome; Hereditary Cancer Syndrome; Neoplastic Syndromes, Hereditary. Identifiers: Orphanet 140162, MedGen C0027672, MeSH D009386, MONDO:0015356.
Multiple endocrine neoplasia. Identifiers: Orphanet 276161, MedGen C0027662, MONDO:0017169.
Multiple endocrine neoplasia, type 2 (MEN2). Identifiers: Orphanet 653, MedGen C4048306, MONDO:0019003. Disease mechanism: gain of function.
Multiple endocrine neoplasia type 2B. Also called: MEN IIB; NEUROMATA, MUCOSAL, WITH ENDOCRINE TUMORS; WAGENMANN-FROBOESE SYNDROME; MULTIPLE ENDOCRINE NEOPLASIA, TYPE III; MULTIPLE ENDOCRINE NEOPLASIA, TYPE IIB; MEN 2B. Identifiers: Orphanet 247709, Orphanet 653, MedGen C0025269, MeSH D018814, MONDO:0008082, OMIM 162300.
Multiple endocrine neoplasia type 2A. Also called: Multiple Endocrine Neoplasia Type 2A (MEN2A); MULTIPLE ENDOCRINE NEOPLASIA, TYPE IIA; PTC SYNDROME; SIPPLE SYNDROME; MEN 2A; MEN-2A syndrome. Identifiers: Orphanet 247698, Orphanet 653, MedGen C0025268, MeSH D018813, MONDO:0008234, OMIM 171400.
Hirschsprung disease, susceptibility to, 1 (HSCR1). Also called: RET-Related Hirschsprung Disease. Identifiers: Orphanet 388, MedGen C3888239, MONDO:0007723, OMIM 142623.
Pheochromocytoma. Also called: MAX-Related Hereditary Paraganglioma-Pheochromocytoma Syndrome. Identifiers: Orphanet 29072, MedGen C0031511, MONDO:0008233, OMIM 171300, HP:0002666.
Renal hypodysplasia/aplasia 1 (RHDA1). Also called: RENAL APLASIA; HEREDITARY RENAL APLASIA. Identifiers: Orphanet 411709, MedGen C1619700, MONDO:0024519, OMIM 191830.

Allele frequency attached by ClinVar (database versions not stated): TOPMed 0.00068; 1000 Genomes Project 30x 0.00219; 1000 Genomes Project 0.00260; ESP Exome Variant Server 0.00008; gnomAD exomes 0.00045 and 0.00111; gnomAD 0.00051 and 0.00039; ExAC 0.00113.
gnomAD v4.1: 739 of 1,613,044 alleles (0.046%); highest among the groups gnomAD compares: East Asian, 1.4%; 7 homozygotes.

Submissions (17):

Labcorp Genetics (formerly Invitae), Labcorp
Classification: Benign for Multiple endocrine neoplasia, type 2. Last evaluated: 2026-02-03. Review status: criteria provided, single submitter. Criteria: Invitae Variant Classification Sherloc (09022015). Collection method: clinical testing. Allele origin: germline.

CeGaT Center for Human Genetics Tuebingen
Classification: Likely benign. Last evaluated: 2026-01-01. Review status: criteria provided, single submitter. Criteria: CeGaT Center For Human Genetics Tuebingen Variant Classification Criteria Version 2. Collection method: clinical testing. Allele origin: germline. Affected: yes. Observed: 3 variant alleles.
Comment: RET: BP4, BP7, BS1

ARUP Laboratories, Molecular Genetics and Genomics, ARUP Laboratories
Classification: Benign. Last evaluated: 2025-06-06. Review status: criteria provided, single submitter. Criteria: ARUP Molecular Germline Variant Investigation Process 2024. Collection method: clinical testing. Allele origin: germline.

Quest Diagnostics Nichols Institute San Juan Capistrano
Classification: Benign. Last evaluated: 2025-04-10. Review status: criteria provided, single submitter. Criteria: Quest Diagnostics criteria. Collection method: clinical testing. Allele origin: unknown.

Myriad Genetics, Inc.
Classification: Benign for Multiple endocrine neoplasia type 2A. Last evaluated: 2025-02-26. Review status: criteria provided, single submitter. Criteria: Myriad Autosomal Dominant, Autosomal Recessive and X-Linked Classification Criteria (2023). Collection method: clinical testing. Allele origin: unknown.
Comment: This variant is considered benign. This variant is a silent/synonymous amino acid change and it is not expected to impact splicing.

KCCC/NGS Laboratory, Kuwait Cancer Control Center
Classification: Benign for Pheochromocytoma. Last evaluated: 2025-02-01. Review status: criteria provided, single submitter. Criteria: ACMG Guidelines, 2015. Collection method: clinical testing. Allele origin: germline. Affected: no.

Blueprint Genetics
Classification: Likely benign. Last evaluated: 2024-11-08. Review status: criteria provided, single submitter. Criteria: ACMG Guidelines, 2015. Collection method: clinical testing. Allele origin: germline.

KCCC/NGS Laboratory, Kuwait Cancer Control Center
Classification: Benign for Multiple endocrine neoplasia type 2B. Last evaluated: 2023-07-07. Review status: criteria provided, single submitter. Criteria: ACMG Guidelines, 2015. Collection method: clinical testing. Allele origin: germline. Affected: yes.

Color Diagnostics, LLC DBA Color Health
Classification: Benign for Multiple endocrine neoplasia, type 2. Last evaluated: 2022-09-30. Review status: criteria provided, single submitter. Criteria: ACMG Guidelines, 2015. Collection method: clinical testing. Allele origin: germline.

Women's Health and Genetics/Laboratory Corporation of America, LabCorp
Classification: Benign. Last evaluated: 2020-04-17. Review status: criteria provided, single submitter. Criteria: LabCorp Variant Classification Summary - May 2015. Collection method: clinical testing. Allele origin: germline.

GeneDx
Classification: Likely benign. Last evaluated: 2018-02-22. Review status: criteria provided, single submitter. Criteria: GeneDx Variant Classification (06012015). Collection method: clinical testing. Allele origin: germline. Affected: yes.
Comment: This variant is considered likely benign or benign based on one or more of the following criteria: it is a conservative change, it occurs at a poorly conserved position in the protein, it is predicted to be benign by multiple in silico algorithms, and/or has population frequency not consistent with disease.

Illumina Laboratory Services, Illumina
Classification: Likely benign for Renal hypodysplasia/aplasia 1. Last evaluated: 2018-01-12. Review status: criteria provided, single submitter. Criteria: ICSL Variant Classification Criteria 13 December 2019. Collection method: clinical testing. Allele origin: germline.
Comment: This variant was observed in the ICSL laboratory as part of a predisposition screen in an ostensibly healthy population. It had not been previously curated by ICSL or reported in the Human Gene Mutation Database (HGMD: prior to June 1st, 2018), and was therefore a candidate for classification through an automated scoring system. Utilizing variant allele frequency, disease prevalence and penetrance estimates, and inheritance mode, an automated score was calculated to assess if this variant is too frequent to cause the disease. Based on the score and internal cut-off values, a variant classified as likely benign is not then subjected to further curation. The score for this variant resulted in a classification of likely benign for this disease.

Illumina Laboratory Services, Illumina
Classification: Benign for Multiple endocrine neoplasia. Last evaluated: 2018-01-12. Review status: criteria provided, single submitter. Criteria: ICSL Variant Classification Criteria 13 December 2019. Collection method: clinical testing. Allele origin: germline.
Comment: This variant was observed in the ICSL laboratory as part of a predisposition screen in an ostensibly healthy population. It had not been previously curated by ICSL or reported in the Human Gene Mutation Database (HGMD: prior to June 1st, 2018), and was therefore a candidate for classification through an automated scoring system. Utilizing variant allele frequency, disease prevalence and penetrance estimates, and inheritance mode, an automated score was calculated to assess if this variant is too frequent to cause the disease. Based on the score and internal cut-off values, a variant classified as benign is not then subjected to further curation. The score for this variant resulted in a classification of benign for this disease.

Illumina Laboratory Services, Illumina
Classification: Benign for Pheochromocytoma. Last evaluated: 2018-01-12. Review status: criteria provided, single submitter. Criteria: ICSL Variant Classification Criteria 13 December 2019. Collection method: clinical testing. Allele origin: germline.
Comment: the same text as in the submission from Illumina Laboratory Services, Illumina above.

Illumina Laboratory Services, Illumina
Classification: Benign for Hirschsprung disease, susceptibility to, 1. Last evaluated: 2018-01-12. Review status: criteria provided, single submitter. Criteria: ICSL Variant Classification Criteria 13 December 2019. Collection method: clinical testing. Allele origin: germline.
Comment: the same text as in the submission from Illumina Laboratory Services, Illumina above.

Ambry Genetics
Classification: Likely benign for Hereditary cancer-predisposing syndrome. Last evaluated: 2015-06-14. Review status: criteria provided, single submitter. Criteria: Ambry Variant Classification Scheme 2023. Collection method: clinical testing. Allele origin: germline.

PreventionGenetics, part of Exact Sciences
Classification: Likely benign for RET-related condition. Last evaluated: 2024-01-30. Review status: no assertion criteria provided. Collection method: clinical testing. Allele origin: germline. Not counted in ClinVar's aggregate classification.
Comment: This variant is classified as likely benign based on ACMG/AMP sequence variant interpretation guidelines (Richards et al. 2015 PMID: 25741868, with internal and published modifications).

NM_020975.6(RET):c.2037C>T (p.Pro679=)

Gene: RET (ret proto-oncogene; plus strand). Cytogenetic location: 10q11.21.
Variant type: single nucleotide variant.
Coding change: c.2037C>T on transcript NM_020975.6 (MANE Select); coding-DNA position 2037, C replaced by T.
Protein change: p.Pro679=; no amino-acid change (proline 679 retained).
Molecular consequence: synonymous variant.
Genome position (GRCh38, 1-based): chr10:43,114,637, C>T. VCF-style: chr10-43114637-C-T. GRCh37 (hg19) VCF-style: chr10-43610085-C-T.
Other names: c.2037C>T, p.Pro679= (NM_000323.2, NM_001406743.1, NM_001406744.1 and 4 more transcripts); c.1275C>T, p.Pro425= (NM_001355216.2); c.1908C>T, p.Pro636= (NM_001406761.1, NM_001406762.1, NM_001406764.1); c.1902C>T, p.Pro634= (NM_001406763.1, NM_001406765.1); c.1749C>T, p.Pro583= (NM_001406766.1, NM_001406767.1, NM_001406770.1); c.1773C>T, p.Pro591= (NM_001406768.1); c.1641C>T, p.Pro547= (NM_001406769.1, NM_001406772.1); c.1599C>T, p.Pro533= (NM_001406771.1, NM_001406773.1); and 10 more.
Identifiers: ClinVar variation 136107 (VCV000136107.60), dbSNP rs55862116, ClinGen allele CA008556.